The following is an entry in ClinVar:

NM_001330260.2(SCN8A):c.2078G>A (p.Arg693Gln)

Gene: SCN8A (sodium voltage-gated channel alpha subunit 8; plus strand). Cytogenetic location: 12q13.13.
Variant type: single nucleotide variant.
Coding change: c.2078G>A on transcript NM_001330260.2 (MANE Select); coding-DNA position 2078, G replaced by A.
Protein change: p.Arg693Gln; replaces arginine 693 with glutamine.
Molecular consequence: missense variant.
Genome position (GRCh38, 1-based): chr12:51,745,982, G>A. VCF-style: chr12-51745982-G-A. GRCh37 (hg19) VCF-style: chr12-52139766-G-A.
Other names: c.2078G>A, p.Arg693Gln (NM_001177984.3, NM_001369788.1, NM_014191.4); c.2078G>A (NM_014191.3); short protein forms R693Q.
Identifiers: ClinVar variation 1785496 (VCV001785496.10), dbSNP rs766163250, ClinGen allele CA6571416.

ClinVar aggregate classification (germline): Uncertain significance. Review status: criteria provided, multiple submitters, no conflicts (2 of 4 stars). 3 submissions from 3 submitters: Uncertain significance (3). Last evaluated 2024-07-29.

Conditions:
Early-infantile DEE. Also called: Early infantile epileptic encephalopathy with suppression bursts; Early infantile epileptic encephalopathy; Ohtahara syndrome. Identifiers: Orphanet 1934, MedGen C0393706, MONDO:0800491.
Inborn genetic diseases. Identifiers: MedGen C0950123, MeSH D030342.

Allele frequency attached by ClinVar (database versions not stated): TOPMed below 0.00001; ExAC 0.00001; gnomAD 0.00001; gnomAD exomes 0.00001.
gnomAD v4.1: 11 of 1,611,252 alleles (0.00068%); highest among the groups gnomAD compares: Admixed American, 0.0017%; no homozygotes.

Submissions (3):

Labcorp Genetics (formerly Invitae), Labcorp
Classification: Uncertain significance for Early-infantile DEE. Last evaluated: 2024-07-29. Review status: criteria provided, single submitter. Criteria: Invitae Variant Classification Sherloc (09022015). Collection method: clinical testing. Allele origin: germline.
Comment: This sequence change replaces arginine, which is basic and polar, with glutamine, which is neutral and polar, at codon 693 of the SCN8A protein (p.Arg693Gln). This variant is present in population databases (rs766163250, gnomAD 0.003%). This variant has not been reported in the literature in individuals affected with SCN8A-related conditions. ClinVar contains an entry for this variant (Variation ID: 1785496). Advanced modeling of protein sequence and biophysical properties (such as structural, functional, and spatial information, amino acid conservation, physicochemical variation, residue mobility, and thermodynamic stability) performed at Invitae indicates that this missense variant is not expected to disrupt SCN8A protein function with a negative predictive value of 95%. In summary, the available evidence is currently insufficient to determine the role of this variant in disease. Therefore, it has been classified as a Variant of Uncertain Significance.

Revvity Omics, Revvity
Classification: Uncertain significance. Last evaluated: 2021-03-15. Review status: criteria provided, single submitter. Criteria: ACMG Guidelines, 2015. Collection method: clinical testing. Allele origin: germline.

Ambry Genetics
Classification: Uncertain significance for Inborn genetic diseases. Last evaluated: 2018-08-03. Review status: criteria provided, single submitter. Criteria: Ambry Variant Classification Scheme 2023. Collection method: clinical testing. Allele origin: germline.
Comment: The p.R693Q variant (also known as c.2078G>A), located in coding exon 12 of the SCN8A gene, results from a G to A substitution at nucleotide position 2078. The arginine at codon 693 is replaced by glutamine, an amino acid with highly similar properties. This amino acid position is well conserved in available vertebrate species. In addition, the in silico prediction for this alteration is inconclusive. Since supporting evidence is limited at this time, the clinical significance of this alteration remains unclear.